The following is an entry in ClinVar:

NM_001042492.3(NF1):c.6427+2T>G

Gene: NF1 (neurofibromin 1; plus strand). Cytogenetic location: 17q11.2.
Variant type: single nucleotide variant.
Coding change: c.6427+2T>G on transcript NM_001042492.3 (MANE Select); the canonical splice donor site of the intron after coding-DNA position 6427, T replaced by G.
Molecular consequence: splice donor variant.
Genome position (GRCh38, 1-based): chr17:31,336,916, T>G. VCF-style: chr17-31336916-T-G. GRCh37 (hg19) VCF-style: chr17-29663934-T-G.
Other names: c.6364+2T>G (NM_000267.4).
Identifiers: ClinVar variation 566355 (VCV000566355.6), dbSNP rs1567617158, ClinGen allele CA399012979.
Genomic context (GRCh38, chr17:31,336,916, plus strand): 5'-TGGACTGGTCATTAATATCATTCACTCTCTGTGTACTTGTTCACAGCTTCATTTTAGTGG[T>G]AAGTTCTAGGAAAGGAATTTGTGTTTACCAGTTCCTTTCTCCATTTTACTTCACCTGATC-3'

ClinVar aggregate classification (germline): Pathogenic (1 of 4 stars; one submission).

Conditions:
Neurofibromatosis, type 1 (NF1). Also called: VON RECKLINGHAUSEN DISEASE; NEUROFIBROMATOSIS, TYPE I, SOMATIC; Peripheral type neurofibromatosis; Neurofibromatosis, type I. Identifiers: Orphanet 636, MedGen C0027831, MONDO:0018975, OMIM 162200. Disease mechanism: loss of function.

Submission:

Labcorp Genetics (formerly Invitae), Labcorp
Classification: Pathogenic for Neurofibromatosis, type 1. Last evaluated: 2023-06-14. Review status: criteria provided, single submitter. Criteria: Invitae Variant Classification Sherloc (09022015). Collection method: clinical testing. Allele origin: germline.
Comment: This sequence change affects a donor splice site in intron 41 of the NF1 gene. It is expected to disrupt RNA splicing. Variants that disrupt the donor or acceptor splice site typically lead to a loss of protein function (PMID: 16199547), and loss-of-function variants in NF1 are known to be pathogenic (PMID: 10712197, 23913538). This variant is not present in population databases (gnomAD no frequency). Disruption of this splice site has been observed in individual(s) with neurofibromatosis type 1 (PMID: 23668869, 25211147). This variant is also known as IVS33+2T>G; c.6427+2T>G . ClinVar contains an entry for this variant (Variation ID: 566355). Studies have shown that disruption of this splice site is associated with altered splicing resulting in unknown protein product impact (PMID: 10543400; Invitae). For these reasons, this variant has been classified as Pathogenic.

Literature cited by the submitters: PubMed 16199547; PubMed 10712197; PubMed 23913538; PubMed 23668869; PubMed 25211147; PubMed 10543400.